The following is an entry in ClinVar:

ClinVar aggregate classification (germline): Uncertain significance (1 of 4 stars; one submission).

Conditions:
Xanthinuria type II. Also called: Xanthine dehydrogenase and aldehyde oxidase combined deficiency of; XDH and AOX dual deficiency. Identifiers: Orphanet 3467, Orphanet 93602, MedGen C1863688, MONDO:0011346, OMIM 603592.

Allele frequency attached by ClinVar (database versions not stated): TOPMed below 0.00001; gnomAD 0.00001.

Submission:

Labcorp Genetics (formerly Invitae), Labcorp
Classification: Uncertain significance for Xanthinuria type II. Last evaluated: 2021-02-25. Review status: criteria provided, single submitter. Criteria: Invitae Variant Classification Sherloc (09022015). Collection method: clinical testing. Allele origin: germline.
Comment: In summary, the available evidence is currently insufficient to determine the role of this variant in disease. Therefore, it has been classified as a Variant of Uncertain Significance. Algorithms developed to predict the effect of missense changes on protein structure and function output the following: SIFT: "Tolerated"; PolyPhen-2: "Benign"; Align-GVGD: "Class C0". The glycine amino acid residue is found in multiple mammalian species, suggesting that this missense change does not adversely affect protein function. These predictions have not been confirmed by published functional studies and their clinical significance is uncertain. This variant has not been reported in the literature in individuals with XDH-related disease. This variant is not present in population databases (ExAC no frequency). This sequence change replaces valine with glycine at codon 868 of the XDH protein (p.Val868Gly). The valine residue is weakly conserved and there is a moderate physicochemical difference between valine and glycine.

NM_000379.4(XDH):c.2603T>G (p.Val868Gly)

Gene: XDH (xanthine dehydrogenase; minus strand). Cytogenetic location: 2p23.1.
Variant type: single nucleotide variant.
Coding change: c.2603T>G on transcript NM_000379.4 (MANE Select); coding-DNA position 2603, T replaced by G.
Protein change: p.Val868Gly; replaces valine 868 with glycine.
Molecular consequence: missense variant.
Genome position (GRCh38, 1-based): chr2:31,364,186, A>C on the plus strand (T>G on the coding strand, the complement: XDH is on the minus strand). VCF-style: chr2-31364186-A-C. GRCh37 (hg19) VCF-style: chr2-31587052-A-C.
Other names: short protein forms V868G.
Identifiers: ClinVar variation 648660 (VCV000648660.8), dbSNP rs1296028517, ClinGen allele CA346502621.